The following is an entry in ClinVar:

NM_001083116.3(PRF1):c.350_356delinsATGC (p.Val117_Arg119delinsAspAla)

Gene: PRF1 (perforin 1; minus strand). Cytogenetic location: 10q22.1.
Variant type: Indel.
Coding change: c.350_356delinsATGC on transcript NM_001083116.3 (MANE Select); coding-DNA positions 350 to 356, TGGCCCG replaced by ATGC.
Protein change: p.Val117_Arg119delinsAspAla.
Molecular consequence: inframe indel.
Genome position (GRCh38, 1-based): chr10:70,600,547-70,600,553, CGGGCCA replaced by GCAT on the plus strand (TGGCCCG replaced by ATGC on the coding strand, the reverse complement: PRF1 is on the minus strand). VCF-style: chr10-70600547-CGGGCCA-GCAT. GRCh37 (hg19) VCF-style: chr10-72360303-CGGGCCA-GCAT.
Other names: c.350_356delinsATGC, p.Val117_Arg119delinsAspAla (NM_005041.6).
Identifiers: ClinVar variation 5004010 (VCV005004010.1).

ClinVar aggregate classification (germline): Uncertain significance (1 of 4 stars; one submission).

Conditions:
Familial hemophagocytic lymphohistiocytosis 2 (FHL2). Also called: PRF1-Related Familial Hemophagocytic Lymphohistiocytosis (PRF1-fHLH). Identifiers: Orphanet 540, MedGen C1863727, MONDO:0011337, OMIM 603553.

Submission:

Myriad Genetics, Inc.
Classification: Uncertain significance for Familial hemophagocytic lymphohistiocytosis 2. Last evaluated: 2025-12-11. Review status: criteria provided, single submitter. Criteria: Myriad Autosomal Dominant, Autosomal Recessive and X-Linked Classification Criteria (2023). Collection method: clinical testing. Allele origin: unknown.
Comment: NM_001083116.1(PRF1):c.350_356del7ins4(V117_R119delinsDA) is an in-frame indel classified as a variant of uncertain significance in the context of familial hemophagocytic lymphohistiocytosis, PRF1-related. V117_R119delinsDA has been observed in cases with relevant disease (PMID: 32542393, 26450956). Relevant functional assessments of this variant are not available in the literature. V117_R119delinsDA has not been observed in referenced population frequency databases. In summary, there is insufficient evidence to classify NM_001083116.1(PRF1):c.350_356del7ins4(V117_R119delinsDA) as pathogenic or benign. Please note: this variant was assessed in the context of healthy population screening.

Literature cited by the submitters: PubMed 26450956; PubMed 32542393.